The following is an entry in ClinVar:

ClinVar aggregate classification (germline): Uncertain significance (1 of 4 stars; one submission).

Conditions:
Charcot-Marie-Tooth disease type 4. Also called: Charcot-Marie-Tooth disease, type IV; Charcot-Marie-Tooth, Type 4. Identifiers: Orphanet 64749, MedGen C4082197, MONDO:0018995.

Allele frequency attached by ClinVar (database versions not stated): gnomAD exomes below 0.00001; gnomAD 0.00001; TOPMed 0.00002.
gnomAD v4.1: 2 of 1,613,570 alleles (0.00012%); highest among the groups gnomAD compares: Admixed American, 0.0033%; no homozygotes.

Submission:

Labcorp Genetics (formerly Invitae), Labcorp
Classification: Uncertain significance for Charcot-Marie-Tooth disease type 4. Last evaluated: 2022-09-07. Review status: criteria provided, single submitter. Criteria: Invitae Variant Classification Sherloc (09022015). Collection method: clinical testing. Allele origin: germline.
Comment: In summary, the available evidence is currently insufficient to determine the role of this variant in disease. Therefore, it has been classified as a Variant of Uncertain Significance. Algorithms developed to predict the effect of missense changes on protein structure and function (SIFT, PolyPhen-2, Align-GVGD) all suggest that this variant is likely to be tolerated. ClinVar contains an entry for this variant (Variation ID: 1473575). This variant has not been reported in the literature in individuals affected with MTMR2-related conditions. This variant is present in population databases (no rsID available, gnomAD 0.003%). This sequence change replaces leucine, which is neutral and non-polar, with valine, which is neutral and non-polar, at codon 366 of the MTMR2 protein (p.Leu366Val).

NM_016156.6(MTMR2):c.1096C>G (p.Leu366Val)

Gene: MTMR2 (myotubularin related protein 2; minus strand). Cytogenetic location: 11q21.
Variant type: single nucleotide variant.
Coding change: c.1096C>G on transcript NM_016156.6 (MANE Select); coding-DNA position 1096, C replaced by G.
Protein change: p.Leu366Val; replaces leucine 366 with valine.
Molecular consequence: missense variant.
Genome position (GRCh38, 1-based): chr11:95,847,797, G>C on the plus strand (C>G on the coding strand, the complement: MTMR2 is on the minus strand). VCF-style: chr11-95847797-G-C. GRCh37 (hg19) VCF-style: chr11-95580961-G-C.
Other names: c.880C>G, p.Leu294Val (NM_001243571.2, NM_201278.3, NM_201281.3); short protein forms L366V, L294V.
Identifiers: ClinVar variation 1473575 (VCV001473575.6), dbSNP rs925169921, ClinGen allele CA226600926.